The following is an entry in ClinVar:

NM_001267550.2(TTN):c.3742_3745del (p.Ser1248fs)

Genes: TTN (titin; minus strand), LOC101927055 (uncharacterized LOC101927055; plus strand). Cytogenetic location: 2q31.2.
Variant type: Deletion.
Coding change: c.3742_3745del on transcript NM_001267550.2 (MANE Select); coding-DNA positions 3742 to 3745, 4 bases deleted (TCTT; older notation c.3742_3745delTCTT).
Protein change: p.Ser1248fs; shifts the reading frame from serine 1248.
Molecular consequence: frameshift variant.
Genome position (GRCh38, 1-based): chr2:178,779,447-178,779,450, AAGA deleted on the plus strand (TCTT on the coding strand, the reverse complement: TTN is on the minus strand); deleting any 4 consecutive bases within chr2:178,779,447-178,779,452 gives the same sequence; the c. name uses the placement nearest the transcript's 3' end. VCF-style (leftmost placement, unchanged base first): chr2-178779446-GAAGA-G. GRCh37 (hg19) VCF-style: chr2-179644173-GAAGA-G.
Other names: c.3742_3745del, p.Ser1248fs (NM_001256850.1, NM_133378.4, NM_133379.5); c.3604_3607del, p.Ser1202fs (NM_003319.4, NM_133432.3, NM_133437.4); short protein forms S1202fs, S1248fs.
Identifiers: ClinVar variation 1174742 (VCV001174742.9), dbSNP rs2154347788, ClinGen allele CA2499215502.
Genomic context (GRCh38, chr2:178,779,446, plus strand): 5'-TCTTCTAATGTAGTCTTTATTATTCTATATTCAATTTCTTTAATAAGTCTCTCTTCAAAG[GAAGA>G]AATATGGAATTCCTATGCAAAAAGATTATGGTCTGTTAAAAATACATATCCTTACTGATA-3'

ClinVar aggregate classification (germline): Conflicting classifications of pathogenicity. Review status: criteria provided, conflicting classifications (1 of 4 stars). 4 submissions from 4 submitters: Likely pathogenic (1); Uncertain significance (1). 2 of the submissions do not count toward it. Last evaluated 2025-10-08.

Conditions:
Dilated cardiomyopathy 1G (CMD1G). Identifiers: Orphanet 154, MedGen C1858763, MONDO:0011400, OMIM 604145.
Autosomal recessive limb-girdle muscular dystrophy type 2J (LGMDR10). Also called: Limb-girdle muscular dystrophy, type 2J; MUSCULAR DYSTROPHY, LIMB-GIRDLE, AUTOSOMAL RECESSIVE 10. Identifiers: Orphanet 140922, MedGen C1837342, MONDO:0012127, OMIM 608807.

Submissions (4):

Labcorp Genetics (formerly Invitae), Labcorp
Classification: Likely pathogenic for Dilated cardiomyopathy 1G; Autosomal recessive limb-girdle muscular dystrophy type 2J. Last evaluated: 2025-10-08. Review status: criteria provided, single submitter. Criteria: Invitae Variant Classification Sherloc (09022015). Collection method: clinical testing. Allele origin: germline.
Comment: This sequence change creates a premature translational stop signal (p.Ser1248Profs*14) in the TTN gene. While this is not anticipated to result in nonsense mediated decay, it is expected to create a truncated TTN protein. This variant is not present in population databases (gnomAD no frequency). This variant has not been observed in the literature in individuals with autosomal recessive TTN-related conditions. This variant has been reported in individual(s) with dilated cardiomyopathy (PMID: 27813223, 31112426; internal data); however, the role of the variant in this condition is currently unclear. ClinVar contains an entry for this variant (Variation ID: 1174742). This variant is located in the Z band of TTN (PMID: 25589632). Truncating variants in this region have been reported in individuals affected with autosomal recessive centronuclear myopathy (PMID: 33449170, internal data). Truncating variants in this region have also been identified in individuals affected with autosomal dominant dilated cardiomyopathy and/or cardio-related conditions (PMID: 27869827, 32964742, internal data). In summary, the currently available evidence indicates that the variant is pathogenic, but additional data are needed to prove that conclusively. Therefore, this variant has been classified as Likely Pathogenic.

Revvity Omics, Revvity
Classification: Uncertain significance. Last evaluated: 2021-12-20. Review status: criteria provided, single submitter. Criteria: ACMG Guidelines, 2015. Collection method: clinical testing. Allele origin: germline.

Diagnostic Laboratory, Department of Genetics, University Medical Center Groningen
Classification: Likely pathogenic. Review status: no assertion criteria provided. Collection method: clinical testing. Allele origin: germline. Affected: yes. Study: VKGL Data-share Consensus. Not counted in ClinVar's aggregate classification.

Joint Genome Diagnostic Labs from Nijmegen and Maastricht, Radboudumc and MUMC+
Classification: Likely pathogenic. Review status: no assertion criteria provided. Collection method: clinical testing. Allele origin: germline. Affected: yes. Study: VKGL Data-share Consensus. Not counted in ClinVar's aggregate classification.

Literature cited by the submitters: PubMed 27813223 (cited by Labcorp Genetics (formerly Invitae), Labcorp); PubMed 31112426 (cited by Labcorp Genetics (formerly Invitae), Labcorp); PubMed 25589632 (cited by Labcorp Genetics (formerly Invitae), Labcorp); PubMed 33449170 (cited by Labcorp Genetics (formerly Invitae), Labcorp); PubMed 27869827 (cited by Labcorp Genetics (formerly Invitae), Labcorp); PubMed 32964742 (cited by Labcorp Genetics (formerly Invitae), Labcorp).